The following is an entry in ClinVar:

ClinVar aggregate classification (germline): Uncertain significance (1 of 4 stars; one submission).

Submission:

Labcorp Genetics (formerly Invitae), Labcorp
Classification: Uncertain significance. Last evaluated: 2025-11-03. Review status: criteria provided, single submitter. Criteria: Invitae Variant Classification Sherloc (09022015). Collection method: clinical testing. Allele origin: germline.
Comment: This sequence change creates a premature translational stop signal (p.Asp305delinsGlyGln*) in the TRMT10A gene. While this is not anticipated to result in nonsense mediated decay, it is expected to disrupt the last 35 amino acid(s) of the TRMT10A protein. This variant is not present in population databases (gnomAD no frequency). This variant has not been reported in the literature in individuals affected with TRMT10A-related conditions. ClinVar contains an entry for this variant (Variation ID: 2122018). Experimental studies and prediction algorithms are not available or were not evaluated, and the functional significance of this variant is currently unknown. In summary, the available evidence is currently insufficient to determine the role of this variant in disease. Therefore, it has been classified as a Variant of Uncertain Significance.

NM_001134665.3(TRMT10A):c.907_913dup (p.Asp305delinsGlyGlnTer)

Gene: TRMT10A (tRNA methyltransferase 10A; minus strand). Cytogenetic location: 4q23.
Variant type: Duplication.
Coding change: c.907_913dup on transcript NM_001134665.3 (MANE Select); coding-DNA positions 907 to 913, 7 bases duplicated (GACAGTG; older notation c.907_913dupGACAGTG).
Protein change: p.Asp305delinsGlyGlnTer.
Molecular consequence: nonsense.
Genome position (GRCh38, 1-based): chr4:99,549,195-99,549,201, CACTGTC duplicated on the plus strand (GACAGTG on the coding strand, the reverse complement: TRMT10A is on the minus strand); duplicating any 7 consecutive bases within chr4:99,549,195-99,549,202 gives the same sequence; the c. name uses the placement nearest the transcript's 3' end. VCF-style (leftmost placement, unchanged base first): chr4-99549194-T-TCACTGTC. GRCh37 (hg19) VCF-style: chr4-100470351-T-TCACTGTC.
Other names: c.907_913dup, p.Asp305delinsGlyGlnTer (NM_001134666.3, NM_001375880.1, NM_001375881.1 and 1 more transcripts); c.886_892dup, p.Asp298delinsGlyGlnTer (NM_001375882.1).
Identifiers: ClinVar variation 2122018 (VCV002122018.4), dbSNP rs2476002652, ClinGen allele CA2580071880.